The following is an entry in ClinVar:

ClinVar aggregate classification (germline): Uncertain significance (1 of 4 stars; one submission).

Conditions:
Developmental and epileptic encephalopathy, 1 (DEE1). Also called: X-linked infantile spasms; West's syndrome; Tonic spasms with clustering, arrest of psychomotor development and hypsarrhythmia on EEG; X-Linked Infantile Spasm Syndrome; OHTAHARA SYNDROME, X-LINKED; INFANTILE SPASM SYNDROME, X-LINKED 1. Identifiers: MedGen C3463992, MONDO:0010632, OMIM 308350. Disease mechanism: loss of function.
Autosomal dominant nonsyndromic hearing loss 65. Also called: TBC1D24-Related Autosomal Dominant Nonsyndromic Hearing Loss (DFNA); Deafness, autosomal dominant 65. Identifiers: Orphanet 90635, MedGen C3892048, MONDO:0014470, OMIM 616044.

Allele frequency attached by ClinVar (database versions not stated): gnomAD exomes below 0.00001; TOPMed below 0.00001.

Submission:

Labcorp Genetics (formerly Invitae), Labcorp
Classification: Uncertain significance for Developmental and epileptic encephalopathy, 1; Autosomal dominant nonsyndromic hearing loss 65. Last evaluated: 2025-12-25. Review status: criteria provided, single submitter. Criteria: Invitae Variant Classification Sherloc (09022015). Collection method: clinical testing. Allele origin: germline.
Comment: This sequence change replaces threonine, which is neutral and polar, with methionine, which is neutral and non-polar, at codon 271 of the TBC1D24 protein (p.Thr271Met). This variant is present in population databases (no rsID available, gnomAD 0.006%). This variant has not been reported in the literature in individuals affected with TBC1D24-related conditions. ClinVar contains an entry for this variant (Variation ID: 1420146). Invitae Evidence Modeling of protein sequence and biophysical properties (such as structural, functional, and spatial information, amino acid conservation, physicochemical variation, residue mobility, and thermodynamic stability) indicates that this missense variant is not expected to disrupt TBC1D24 protein function with a negative predictive value of 95%. In summary, the available evidence is currently insufficient to determine the role of this variant in disease. Therefore, it has been classified as a Variant of Uncertain Significance.

NM_001199107.2(TBC1D24):c.812C>T (p.Thr271Met)

Gene: TBC1D24 (TBC1 domain family member 24; plus strand). Cytogenetic location: 16p13.3.
Variant type: single nucleotide variant.
Coding change: c.812C>T on transcript NM_001199107.2 (MANE Select); coding-DNA position 812, C replaced by T.
Protein change: p.Thr271Met; replaces threonine 271 with methionine.
Molecular consequence: missense variant.
Genome position (GRCh38, 1-based): chr16:2,496,960, C>T. VCF-style: chr16-2496960-C-T. GRCh37 (hg19) VCF-style: chr16-2546961-C-T.
Other names: c.812C>T, p.Thr271Met (NM_020705.3); short protein forms T271M.
Identifiers: ClinVar variation 1420146 (VCV001420146.8), dbSNP rs1328684138, ClinGen allele CA394377434.
Genomic context (GRCh38, chr16:2,496,960, plus strand): 5'-TCCACAAGGTGAGGGCCGGGCAGCCGCTGGAGTCGGACAGCGTGAAGCAGGACATCCGCA[C>T]GTTCGTCAGAGACATCGCGAAGACGGTGTCCCCTGAGAAGCTGCTGGAGAAAGCGTTCGC-3'
Protein context (NP_001186036.1, residues 261-281): ESDSVKQDIR[Thr271Met]FVRDIAKTVS